The following is an entry in ClinVar:

ClinVar aggregate classification (germline): Uncertain significance. Review status: criteria provided, multiple submitters, no conflicts (2 of 4 stars). 2 submissions from 2 submitters: Uncertain significance (2). Last evaluated 2025-11-18.

Conditions:
Cardiovascular phenotype. Identifiers: MedGen CN230736.
Dilated cardiomyopathy 1JJ (CMD1JJ). Identifiers: Orphanet 154, MedGen C3808935, MONDO:0014095, OMIM 615235.

Allele frequency attached by ClinVar (database versions not stated): gnomAD 0.00001; gnomAD exomes 0.00001; ExAC 0.00002.
gnomAD v4.1: 9 of 1,613,310 alleles (0.00056%); highest among the groups gnomAD compares: Admixed American, 0.01%; no homozygotes.

Submissions (2):

Labcorp Genetics (formerly Invitae), Labcorp
Classification: Uncertain significance for Dilated cardiomyopathy 1JJ. Last evaluated: 2025-11-18. Review status: criteria provided, single submitter. Criteria: Invitae Variant Classification Sherloc (09022015). Collection method: clinical testing. Allele origin: germline.
Comment: This sequence change replaces asparagine, which is neutral and polar, with lysine, which is basic and polar, at codon 1411 of the LAMA4 protein (p.Asn1411Lys). This variant is present in population databases (rs782027854, gnomAD 0.009%). This variant has not been reported in the literature in individuals affected with LAMA4-related conditions. ClinVar contains an entry for this variant (Variation ID: 2074179). Invitae Evidence Modeling of protein sequence and biophysical properties (such as structural, functional, and spatial information, amino acid conservation, physicochemical variation, residue mobility, and thermodynamic stability) indicates that this missense variant is not expected to disrupt LAMA4 protein function with a negative predictive value of 80%. In summary, the available evidence is currently insufficient to determine the role of this variant in disease. Therefore, it has been classified as a Variant of Uncertain Significance.

Ambry Genetics
Classification: Uncertain significance for Cardiovascular phenotype. Last evaluated: 2023-02-16. Review status: criteria provided, single submitter. Criteria: Ambry Variant Classification Scheme 2023. Collection method: clinical testing. Allele origin: germline.
Comment: The p.N1411K variant (also known as c.4233T>A), located in coding exon 30 of the LAMA4 gene, results from a T to A substitution at nucleotide position 4233. The asparagine at codon 1411 is replaced by lysine, an amino acid with similar properties. This amino acid position is conserved. In addition, this alteration is predicted to be tolerated by in silico analysis. Since supporting evidence is limited at this time, the clinical significance of this alteration remains unclear.

NM_001105206.3(LAMA4):c.4254T>A (p.Asn1418Lys)

Gene: LAMA4 (laminin subunit alpha 4; minus strand). Cytogenetic location: 6q21.
Variant type: single nucleotide variant.
Coding change: c.4254T>A on transcript NM_001105206.3 (MANE Select); coding-DNA position 4254, T replaced by A.
Protein change: p.Asn1418Lys; replaces asparagine 1418 with lysine.
Molecular consequence: missense variant.
Genome position (GRCh38, 1-based): chr6:112,128,955, A>T on the plus strand (T>A on the coding strand, the complement: LAMA4 is on the minus strand). VCF-style: chr6-112128955-A-T. GRCh37 (hg19) VCF-style: chr6-112450157-A-T.
Other names: c.4233T>A, p.Asn1411Lys (NM_001105207.3, NM_002290.5); short protein forms N1411K, N1418K.
Identifiers: ClinVar variation 2074179 (VCV002074179.4), dbSNP rs782027854, ClinGen allele CA3965024.